The following is an entry in ClinVar:

ClinVar aggregate classification (germline): Likely benign. Review status: criteria provided, multiple submitters, no conflicts (2 of 4 stars). 3 submissions from 3 submitters: Likely benign (3). Last evaluated 2026-02-03.

Conditions:
CACNA1A-related disorder. Also called: CACNA1A-related condition.
Episodic ataxia type 2 (EA2). Also called: ATAXIA, EPISODIC, WITH NYSTAGMUS; ATAXIA, FAMILIAL PAROXYSMAL; CEREBELLAR ATAXIA, PAROXYSMAL, ACETAZOLAMIDE-RESPONSIVE; CEREBELLOPATHY, HEREDITARY PAROXYSMAL; ACETAZOLAMIDE-RESPONSIVE HEREDITARY PAROXYSMAL CEREBELLAR ATAXIA; EPISODIC ATAXIA, NYSTAGMUS-ASSOCIATED. Identifiers: Orphanet 97, MedGen C1720416, MONDO:0007163, OMIM 108500.
Developmental and epileptic encephalopathy, 42 (DEE42A). Also called: DEVELOPMENTAL AND EPILEPTIC ENCEPHALOPATHY 42A; EPILEPTIC ENCEPHALOPATHY, EARLY INFANTILE, 42A; Epileptic encephalopathy, early infantile, 42. Identifiers: MedGen C4310716, MONDO:0014917, OMIM 617106.

Allele frequency attached by ClinVar (database versions not stated): gnomAD exomes below 0.00001; gnomAD 0.00001; TOPMed 0.00002.
gnomAD v4.1: 6 of 1,612,492 alleles (0.00037%); highest among the groups gnomAD compares: East Asian, 0.0022%; no homozygotes.

Submissions (3):

Labcorp Genetics (formerly Invitae), Labcorp
Classification: Likely benign for Developmental and epileptic encephalopathy, 42; Episodic ataxia type 2. Last evaluated: 2026-02-03. Review status: criteria provided, single submitter. Criteria: Invitae Variant Classification Sherloc (09022015). Collection method: clinical testing. Allele origin: germline.

PreventionGenetics, part of Exact Sciences
Classification: Likely benign for CACNA1A-related condition. Last evaluated: 2026-01-23. Review status: criteria provided, single submitter. Criteria: ACMG Guidelines, 2015. Collection method: clinical testing. Allele origin: germline.
Comment: This variant is classified as likely benign based on ACMG/AMP sequence variant interpretation guidelines (Richards et al. 2015 PMID: 25741868, with internal and published modifications).

GeneDx
Classification: Likely benign. Last evaluated: 2021-06-07. Review status: criteria provided, single submitter. Criteria: GeneDx Variant Classification Process June 2021. Collection method: clinical testing. Allele origin: germline. Affected: yes.

NM_001127222.2(CACNA1A):c.2520G>A (p.Ala840=)

Gene: CACNA1A (calcium voltage-gated channel subunit alpha1 A; minus strand). Cytogenetic location: 19p13.13.
Variant type: single nucleotide variant.
Coding change: c.2520G>A on transcript NM_001127222.2 (MANE Select); coding-DNA position 2520, G replaced by A.
Protein change: p.Ala840=; no amino-acid change (alanine 840 retained).
Molecular consequence: synonymous variant.
Genome position (GRCh38, 1-based): chr19:13,299,113, C>T on the plus strand (G>A on the coding strand, the complement: CACNA1A is on the minus strand). VCF-style: chr19-13299113-C-T. GRCh37 (hg19) VCF-style: chr19-13409927-C-T.
Other names: c.2532G>A, p.Ala844= (NM_000068.4, NM_023035.3); c.2523G>A, p.Ala841= (NM_001127221.2, NM_001174080.2); c.2520G>A (NM_001127222.1).
Identifiers: ClinVar variation 1215519 (VCV001215519.12), dbSNP rs1367532933, ClinGen allele CA505785609.